The following is an entry in ClinVar:

NM_144666.3(DNHD1):c.11814C>T (p.Gly3938=)

Gene: DNHD1 (dynein heavy chain domain 1; plus strand). Cytogenetic location: 11p15.4.
Variant type: single nucleotide variant.
Coding change: c.11814C>T on transcript NM_144666.3 (MANE Select); coding-DNA position 11814, C replaced by T.
Protein change: p.Gly3938=; no amino-acid change (glycine 3938 retained).
Molecular consequence: synonymous variant.
Genome position (GRCh38, 1-based): chr11:6,567,323, C>T. VCF-style: chr11-6567323-C-T. GRCh37 (hg19) VCF-style: chr11-6588553-C-T.
Identifiers: ClinVar variation 3056435 (VCV003056435.2), dbSNP rs56313830, ClinGen allele CA5856735.
Genomic context (GRCh38, chr11:6,567,323, plus strand): 5'-GCTGGGCAGCACCGTGACTGCACTGGGCCTTACCCAAGTACCCTTGGTGGGTGCATTGGG[C>T]GCTTTGGCTCTGCTGCAAGCAACAGGGAAAGCATCAGAGCTGGAAAGACTGGCACTCTGG-3'
Protein context (NP_653267.2, residues 3928-3948): LTQVPLVGAL[Gly3938=]ALALLQATGK

ClinVar aggregate classification (germline): Benign (0 of 4 stars; one submission).

Conditions:
DNHD1-related disorder. Also called: DNHD1-related condition.

Allele frequency attached by ClinVar (database versions not stated): gnomAD 0.17295; ESP Exome Variant Server 0.17841; TOPMed 0.19246; 1000 Genomes Project 0.19309; 1000 Genomes Project 30x 0.20050.
gnomAD v4.1: 115,610 of 1,613,950 alleles (7.2%); highest among the groups gnomAD compares: African/African-American, 49%; 11,638 homozygotes.

Submission:

PreventionGenetics, part of Exact Sciences
Classification: Benign for DNHD1-related condition. Last evaluated: 2019-11-13. Review status: no assertion criteria provided. Collection method: clinical testing. Allele origin: germline.
Comment: This variant is classified as benign based on ACMG/AMP sequence variant interpretation guidelines (Richards et al. 2015 PMID: 25741868, with internal and published modifications).